The following is an entry in ClinVar:

ClinVar aggregate classification (germline): Uncertain significance. Review status: criteria provided, multiple submitters, no conflicts (2 of 4 stars). 6 submissions from 6 submitters: Uncertain significance (6). Last evaluated 2025-02-03.

Conditions:
Autosomal recessive spinocerebellar ataxia 12. Also called: SPINOCEREBELLAR ATAXIA WITH MENTAL RETARDATION AND EPILEPSY. Identifiers: Orphanet 284282, MedGen C3280452, MONDO:0013687, OMIM 614322.
Developmental and epileptic encephalopathy, 1 (DEE1). Also called: INFANTILE SPASM SYNDROME, X-LINKED 1; X-linked infantile spasms; West's syndrome; Tonic spasms with clustering, arrest of psychomotor development and hypsarrhythmia on EEG; X-Linked Infantile Spasm Syndrome; OHTAHARA SYNDROME, X-LINKED. Identifiers: MedGen C3463992, MONDO:0010632, OMIM 308350. Disease mechanism: loss of function.

Allele frequency attached by ClinVar (database versions not stated): gnomAD exomes 0.00001 and 0.00003; ExAC 0.00004; gnomAD 0.00012; TOPMed 0.00014; 1000 Genomes Project 30x 0.00016; 1000 Genomes Project 0.00020; ESP Exome Variant Server 0.00024.
gnomAD v4.1: 40 of 1,614,246 alleles (0.0025%); highest among the groups gnomAD compares: African/African-American, 0.045%; no homozygotes.

Submissions (6):

Labcorp Genetics (formerly Invitae), Labcorp
Classification: Uncertain significance for Developmental and epileptic encephalopathy, 1; Autosomal recessive spinocerebellar ataxia 12. Last evaluated: 2025-02-03. Review status: criteria provided, single submitter. Criteria: Invitae Variant Classification Sherloc (09022015). Collection method: clinical testing. Allele origin: germline.
Comment: This sequence change replaces asparagine with aspartic acid at codon 300 of the WWOX protein (p.Asn300Asp). The asparagine residue is moderately conserved and there is a small physicochemical difference between asparagine and aspartic acid. This variant is present in population databases (rs374541202, gnomAD 0.05%). This variant has not been reported in the literature in individuals affected with WWOX-related conditions. ClinVar contains an entry for this variant (Variation ID: 241107). Invitae Evidence Modeling of protein sequence and biophysical properties (such as structural, functional, and spatial information, amino acid conservation, physicochemical variation, residue mobility, and thermodynamic stability) indicates that this missense variant is not expected to disrupt WWOX protein function with a negative predictive value of 80%. In summary, the available evidence is currently insufficient to determine the role of this variant in disease. Therefore, it has been classified as a Variant of Uncertain Significance.

CeGaT Center for Human Genetics Tuebingen
Classification: Uncertain significance. Last evaluated: 2024-05-01. Review status: criteria provided, single submitter. Criteria: CeGaT Center For Human Genetics Tuebingen Variant Classification Criteria Version 2. Collection method: clinical testing. Allele origin: germline. Affected: yes. Observed: 1 variant allele.
Comment: WWOX: PM2, PP3

GeneDx
Classification: Uncertain significance. Last evaluated: 2024-04-11. Review status: criteria provided, single submitter. Criteria: GeneDx Variant Classification Process June 2021. Collection method: clinical testing. Allele origin: germline.
Comment: In silico analysis supports that this missense variant has a deleterious effect on protein structure/function; This variant is associated with the following publications: (PMID: 25411445, 35885997)

Mayo Clinic Laboratories, Mayo Clinic
Classification: Uncertain significance. Last evaluated: 2022-08-04. Review status: criteria provided, single submitter. Criteria: ACMG Guidelines, 2015. Collection method: clinical testing. Allele origin: germline. Observed: 1 variant allele.
Comment: PP3, PM2

Revvity Omics, Revvity
Classification: Uncertain significance. Last evaluated: 2020-04-17. Review status: criteria provided, single submitter. Criteria: ACMG Guidelines, 2015. Collection method: clinical testing. Allele origin: germline.

Genetic Services Laboratory, University of Chicago
Classification: Uncertain significance. Last evaluated: 2016-08-11. Review status: criteria provided, single submitter. Criteria: ACMG Guidelines, 2015. Collection method: clinical testing. Allele origin: germline. Affected: no.

NM_016373.4(WWOX):c.898A>G (p.Asn300Asp)

Gene: WWOX (WW domain containing oxidoreductase; plus strand). Cytogenetic location: 16q23.1.
Variant type: single nucleotide variant.
Coding change: c.898A>G on transcript NM_016373.4 (MANE Select); coding-DNA position 898, A replaced by G.
Protein change: p.Asn300Asp; replaces asparagine 300 with aspartic acid.
Molecular consequence: missense variant.
Genome position (GRCh38, 1-based): chr16:78,432,594, A>G. VCF-style: chr16-78432594-A-G. GRCh37 (hg19) VCF-style: chr16-78466491-A-G.
Other names: p.Asn300Asp; c.898A>G (NM_016373.2); c.559A>G, p.Asn187Asp (NM_001291997.2); short protein forms N300D, N187D.
Identifiers: ClinVar variation 241107 (VCV000241107.36), dbSNP rs374541202, ClinGen allele CA8183541.